The following is an entry in ClinVar:

NM_001853.4(COL9A3):c.721G>A (p.Gly241Arg)

Gene: COL9A3 (collagen type IX alpha 3 chain; plus strand). Cytogenetic location: 20q13.33.
Variant type: single nucleotide variant.
Coding change: c.721G>A on transcript NM_001853.4 (MANE Select); coding-DNA position 721, G replaced by A.
Protein change: p.Gly241Arg; replaces glycine 241 with arginine.
Molecular consequence: missense variant.
Genome position (GRCh38, 1-based): chr20:62,826,240, G>A. VCF-style: chr20-62826240-G-A. GRCh37 (hg19) VCF-style: chr20-61457592-G-A.
Other names: short protein forms G241R.
Identifiers: ClinVar variation 2167870 (VCV002167870.4), dbSNP rs952982296, ClinGen allele CA317331053.
Genomic context (GRCh38, chr20:62,826,240, plus strand): 5'-TGCATCTGTGCCTCTCTCTCGCAGGGCCCCCGGGGATTACGAGGACTGCCAGGGCCACTC[G>A]GGCCCCCTGGGGACCGGGTAAGTCCTGCAGCCCCTAGTGGGGGCCGGCCAGGTGGCTGGG-3'
Protein context (NP_001844.3, residues 231-251): RGLRGLPGPL[Gly241Arg]PPGDRGPIGF

ClinVar aggregate classification (germline): Uncertain significance (1 of 4 stars; one submission).

Allele frequency attached by ClinVar (database versions not stated): gnomAD exomes below 0.00001; gnomAD 0.00001; TOPMed 0.00002.

Submission:

Labcorp Genetics (formerly Invitae), Labcorp
Classification: Uncertain significance. Last evaluated: 2025-10-26. Review status: criteria provided, single submitter. Criteria: Invitae Variant Classification Sherloc (09022015). Collection method: clinical testing. Allele origin: germline.
Comment: This sequence change replaces glycine, which is neutral and non-polar, with arginine, which is basic and polar, at codon 241 of the COL9A3 protein (p.Gly241Arg). This variant is present in population databases (no rsID available, gnomAD 0.007%). This variant has not been reported in the literature in individuals affected with COL9A3-related conditions. ClinVar contains an entry for this variant (Variation ID: 2167870). Invitae Evidence Modeling of protein sequence and biophysical properties (such as structural, functional, and spatial information, amino acid conservation, physicochemical variation, residue mobility, and thermodynamic stability) indicates that this missense variant is expected to disrupt COL9A3 protein function with a positive predictive value of 95%. In summary, the available evidence is currently insufficient to determine the role of this variant in disease. Therefore, it has been classified as a Variant of Uncertain Significance.